The following is an entry in ClinVar:

ClinVar aggregate classification (germline): Uncertain significance (1 of 4 stars; one submission).

Submission:

GeneDx
Classification: Uncertain significance. Last evaluated: 2022-12-22. Review status: criteria provided, single submitter. Criteria: GeneDx Variant Classification Process June 2021. Collection method: clinical testing. Allele origin: germline. Affected: yes.
Comment: Not observed at significant frequency in large population cohorts (gnomAD); In silico analysis supports that this missense variant has a deleterious effect on protein structure/function; Has not been previously published as pathogenic or benign to our knowledge

NM_007327.4(GRIN1):c.2129A>G (p.Asn710Ser)

Gene: GRIN1 (glutamate ionotropic receptor NMDA type subunit 1; plus strand). Cytogenetic location: 9q34.3.
Variant type: single nucleotide variant.
Coding change: c.2129A>G on transcript NM_007327.4 (MANE Select); coding-DNA position 2129, A replaced by G.
Protein change: p.Asn710Ser; replaces asparagine 710 with serine.
Molecular consequence: missense variant.
Genome position (GRCh38, 1-based): chr9:137,162,961, A>G. VCF-style: chr9-137162961-A-G. GRCh37 (hg19) VCF-style: chr9-140057413-A-G.
Other names: c.2129A>G, p.Asn710Ser (NM_000832.7, NM_021569.4); c.2192A>G, p.Asn731Ser (NM_001185090.2, NM_001185091.2); short protein forms N710S, N731S.
Identifiers: ClinVar variation 2572769 (VCV002572769.1), dbSNP rs2538643174, ClinGen allele CA375722411.